The following is an entry in ClinVar:

ClinVar aggregate classification (germline): Benign (1 of 4 stars; one submission).

Allele frequency attached by ClinVar (database versions not stated): 1000 Genomes Project 30x 0.07089; 1000 Genomes Project 0.06929.
gnomAD v4.1: 14,542 of 151,942 alleles (9.6%); highest among the groups gnomAD compares: African/African-American, 14%; 795 homozygotes.

Submission:

GeneDx
Classification: Benign. Last evaluated: 2018-06-18. Review status: criteria provided, single submitter. Criteria: GeneDx Variant Classification (06012015). Collection method: clinical testing. Allele origin: germline. Affected: yes.
Comment: This variant is considered likely benign or benign based on one or more of the following criteria: it is a conservative change, it occurs at a poorly conserved position in the protein, it is predicted to be benign by multiple in silico algorithms, and/or has population frequency not consistent with disease.

NM_033337.3(CAV3):c.115-315G>C

Genes: CAV3 (caveolin 3; plus strand), OXTR (oxytocin receptor; minus strand). Cytogenetic location: 3p25.3.
Variant type: single nucleotide variant.
Coding change: c.115-315G>C on transcript NM_033337.3 (MANE Select); 315 bases into the intron before coding-DNA position 115, G replaced by C.
Molecular consequence: intron variant.
Genome position (GRCh38, 1-based): chr3:8,745,211, G>C. VCF-style: chr3-8745211-G-C. GRCh37 (hg19) VCF-style: chr3-8786897-G-C.
Other names: c.115-315G>C (NM_001234.5).
Identifiers: ClinVar variation 683325 (VCV000683325.1), dbSNP rs6788694, ClinGen allele CA11396517.